The following is an entry in ClinVar:

NM_015310.4(PSD3):c.1173A>G (p.Glu391=)

Gene: PSD3 (pleckstrin and Sec7 domain containing 3; minus strand). Cytogenetic location: 8p22.
Variant type: single nucleotide variant.
Coding change: c.1173A>G on transcript NM_015310.4 (MANE Select); coding-DNA position 1173, A replaced by G.
Protein change: p.Glu391=; no amino-acid change (glutamic acid 391 retained).
Molecular consequence: synonymous variant.
Genome position (GRCh38, 1-based): chr8:18,871,691, T>C on the plus strand (A>G on the coding strand, the complement: PSD3 is on the minus strand). VCF-style: chr8-18871691-T-C. GRCh37 (hg19) VCF-style: chr8-18729201-T-C.
Other names: c.1074A>G, p.Glu358= (NM_001362819.2); c.1476A>G, p.Glu492= (NM_001412865.1, NM_001412866.1, NM_001412867.1 and 2 more transcripts); c.1173A>G, p.Glu391= (NM_001412870.1, NM_001412873.1, NM_001412877.1 and 2 more transcripts); c.1071A>G, p.Glu357= (NM_001412871.1, NM_001412872.1, NM_001412880.1); c.978A>G, p.Glu326= (NM_001412874.1, NM_001412882.1, NM_001412883.1); c.1212A>G, p.Glu404= (NM_001412875.1); c.1170A>G, p.Glu390= (NM_001412876.1).
Identifiers: ClinVar variation 2658456 (VCV002658456.24), dbSNP rs548160525, ClinGen allele CA4652592.

ClinVar aggregate classification (germline): Likely benign (1 of 4 stars; one submission).

Allele frequency attached by ClinVar (database versions not stated): TOPMed 0.00002; gnomAD 0.00008; ExAC 0.00014; 1000 Genomes Project 0.00040; 1000 Genomes Project 30x 0.00047.
gnomAD v4.1: 120 of 1,614,088 alleles (0.0074%); highest among the groups gnomAD compares: South Asian, 0.11%; 2 homozygotes.

Submission:

CeGaT Center for Human Genetics Tuebingen
Classification: Likely benign. Last evaluated: 2022-09-01. Review status: criteria provided, single submitter. Criteria: CeGaT Center For Human Genetics Tuebingen Variant Classification Criteria Version 2. Collection method: clinical testing. Allele origin: germline. Affected: yes. Observed: 1 variant allele.
Comment: PSD3: BP4, BP7